The following is an entry in ClinVar:

ClinVar aggregate classification (germline): Uncertain significance (1 of 4 stars; one submission).

Conditions:
Familial thoracic aortic aneurysm and aortic dissection (TAAD). Also called: Thoracic aortic aneurysms and dissections. Identifiers: Orphanet 91387, MedGen C4707243, MONDO:0019625.

gnomAD v4.1: 1 of 1,612,992 alleles (0.000062%); highest among the groups gnomAD compares: Non-Finnish European, 0.000085%; no homozygotes.

Submission:

Ambry Genetics
Classification: Uncertain significance for Familial thoracic aortic aneurysm and aortic dissection. Last evaluated: 2024-04-14. Review status: criteria provided, single submitter. Criteria: Ambry Variant Classification Scheme 2023. Collection method: clinical testing. Allele origin: germline.
Comment: The p.F1823L variant (also known as c.5469C>A), located in coding exon 29 of the NOTCH1 gene, results from a C to A substitution at nucleotide position 5469. The phenylalanine at codon 1823 is replaced by leucine, an amino acid with highly similar properties. This amino acid position is conserved. In addition, the in silico prediction for this alteration is inconclusive. Based on the available evidence, the clinical significance of this variant remains unclear.

NM_017617.5(NOTCH1):c.5469C>A (p.Phe1823Leu)

Gene: NOTCH1 (notch receptor 1; minus strand). Cytogenetic location: 9q34.3.
Variant type: single nucleotide variant.
Coding change: c.5469C>A on transcript NM_017617.5 (MANE Select); coding-DNA position 5469, C replaced by A.
Protein change: p.Phe1823Leu; replaces phenylalanine 1823 with leucine.
Molecular consequence: missense variant.
Genome position (GRCh38, 1-based): chr9:136,502,004, G>T on the plus strand (C>A on the coding strand, the complement: NOTCH1 is on the minus strand). VCF-style: chr9-136502004-G-T. GRCh37 (hg19) VCF-style: chr9-139396456-G-T.
Other names: short protein forms F1823L.
Identifiers: ClinVar variation 3300452 (VCV003300452.1).